The following is an entry in ClinVar:

ClinVar aggregate classification (germline): Uncertain significance (1 of 4 stars; one submission).

Allele frequency attached by ClinVar (database versions not stated): gnomAD 0.00001; TOPMed 0.00002; ESP Exome Variant Server 0.00008.

Submission:

Labcorp Genetics (formerly Invitae), Labcorp
Classification: Uncertain significance. Last evaluated: 2022-06-01. Review status: criteria provided, single submitter. Criteria: Invitae Variant Classification Sherloc (09022015). Collection method: clinical testing. Allele origin: germline.
Comment: In summary, the available evidence is currently insufficient to determine the role of this variant in disease. Therefore, it has been classified as a Variant of Uncertain Significance. Algorithms developed to predict the effect of missense changes on protein structure and function are either unavailable or do not agree on the potential impact of this missense change (SIFT: "Not Available"; PolyPhen-2: "Benign"; Align-GVGD: "Not Available"). This variant has not been reported in the literature in individuals affected with TMPRSS15-related conditions. This variant is present in population databases (rs140721787, gnomAD 0.01%). This sequence change replaces arginine, which is basic and polar, with tryptophan, which is neutral and slightly polar, at codon 764 of the TMPRSS15 protein (p.Arg764Trp).

NM_002772.3(TMPRSS15):c.2290C>T (p.Arg764Trp)

Gene: TMPRSS15 (transmembrane serine protease 15; minus strand). Cytogenetic location: 21q21.1.
Variant type: single nucleotide variant.
Coding change: c.2290C>T on transcript NM_002772.3 (MANE Select); coding-DNA position 2290, C replaced by T.
Protein change: p.Arg764Trp; replaces arginine 764 with tryptophan.
Molecular consequence: missense variant.
Genome position (GRCh38, 1-based): chr21:18,294,624, G>A on the plus strand (C>T on the coding strand, the complement: TMPRSS15 is on the minus strand). VCF-style: chr21-18294624-G-A. GRCh37 (hg19) VCF-style: chr21-19666941-G-A.
Other names: short protein forms R764W.
Identifiers: ClinVar variation 2175335 (VCV002175335.3), dbSNP rs140721787, ClinGen allele CA318088213.